The following is an entry in ClinVar:

NM_033305.3(VPS13A):c.6609_6617delinsCT (p.Asn2203_Thr2204insTer)

Gene: VPS13A (vacuolar protein sorting 13 homolog A; plus strand). Cytogenetic location: 9q21.2.
Variant type: Indel.
Coding change: c.6609_6617delinsCT on transcript NM_033305.3 (MANE Select); coding-DNA positions 6609 to 6617, TACTGGTCA replaced by CT.
Protein change: p.Asn2203_Thr2204insTer.
Molecular consequence: frameshift variant.
Genome position (GRCh38, 1-based): chr9:77,339,746-77,339,754, TACTGGTCA replaced by CT. VCF-style: chr9-77339746-TACTGGTCA-CT. GRCh37 (hg19) VCF-style: chr9-79954662-TACTGGTCA-CT.
Other names: c.6492_6500delinsCT, p.Asn2164_Thr2165insTer (NM_001018037.2); c.6609_6617delinsCT, p.Asn2203_Thr2204insTer (NM_001018038.3, NM_015186.4).
Identifiers: ClinVar variation 4816414 (VCV004816414.1).
Genomic context (GRCh38, chr9:77,339,746, plus strand): 5'-TACTTGTGTTACAGAAATGGAAAAGACTGATTTAGATATTGCTGTCCATATGACTTACAA[TACTGGTCA>CT]GACAGTTGTGGCATTTCATAGTCCTTATTGGATGGTCAATAAAACTGGCCGCATGTTACA-3'

ClinVar aggregate classification (germline): Likely pathogenic (1 of 4 stars; one submission).

Conditions:
VPS13A-related neurodegenerative disease. Also called: LEVINE-CRITCHLEY SYNDROME; Choreoacanthocytosis; Chorea-acanthocytosis; ACANTHOCYTOSIS WITH NEUROLOGIC DISORDER; VPS13A Disease; Choreaacanthocytosis. Identifiers: Orphanet 2388, MedGen C0393576, MONDO:0008695, OMIM 200150.

Submission:

Natera, Inc.
Classification: Likely pathogenic for Choreaacanthocytosis. Last evaluated: 2024-10-22. Review status: criteria provided, single submitter. Criteria: Natera Variant Classification Schema (03/2026). Collection method: clinical testing. Allele origin: germline.
Comment: The c.6609_6617delinsCT variant in VPS13A is a frameshift variant predicted to shift the reading frame and introduce a stop codon. This variant is expected to result in nonsense mediated decay, truncation, or a dysfunctional protein product. This variant is rare in the general population with a frequency below the threshold expected for the associated phenotype(s). Given the available evidence, this variant is classified as Likely Pathogenic.